The following is an entry in ClinVar:

NM_000179.3(MSH6):c.3821A>T (p.Glu1274Val)

Gene: MSH6 (mutS homolog 6; plus strand). Cytogenetic location: 2p16.3.
Variant type: single nucleotide variant.
Coding change: c.3821A>T on transcript NM_000179.3 (MANE Select); coding-DNA position 3821, A replaced by T.
Protein change: p.Glu1274Val; replaces glutamic acid 1274 with valine.
Molecular consequence: missense variant. On other transcripts: non-coding transcript variant (5), intron variant (1).
Genome position (GRCh38, 1-based): chr2:47,806,471, A>T. VCF-style: chr2-47806471-A-T. GRCh37 (hg19) VCF-style: chr2-48033610-A-T.
Other names: c.3431A>T, p.Glu1144Val (NM_001281492.2); c.2915A>T, p.Glu972Val (NM_001281493.2, NM_001281494.2, NM_001406811.1 and 6 more transcripts); c.3917A>T, p.Glu1306Val (NM_001406795.1); c.3821A>T, p.Glu1274Val (NM_001406796.1, NM_001406808.1, NM_001406809.1); c.3524A>T, p.Glu1175Val (NM_001406797.1, NM_001406801.1, NM_001406805.1 and 10 more transcripts); c.3647A>T, p.Glu1216Val (NM_001406798.1); c.3296A>T, p.Glu1099Val (NM_001406799.1, NM_001406806.1, NM_001406807.1); c.3808A>T, p.Asn1270Tyr (NM_001406800.1); and 9 more; short protein forms E1099V, E1144V, E1175V, E1216V, E1218V, E1248V, E1274V, E1276V.
Identifiers: ClinVar variation 3777210 (VCV003777210.1).

ClinVar aggregate classification (germline): Uncertain significance (1 of 4 stars; one submission).

Conditions:
Mismatch repair cancer syndrome 3. Identifiers: MedGen C5436807, MONDO:0030841, OMIM 619097.
Lynch syndrome 5 (LYNCH5). Also called: Colorectal cancer, hereditary nonpolyposis, type 5; Hereditary non-polyposis colorectal cancer, type 5. Identifiers: Orphanet 144, MedGen C1833477, MONDO:0013710, OMIM 614350. Disease mechanism: loss of function.

Submission:

University of Washington Department of Laboratory Medicine, University of Washington
Classification: Uncertain significance for Mismatch repair cancer syndrome 3; Lynch syndrome 5. Last evaluated: 2021-07-29. Review status: criteria provided, single submitter. Criteria: ACMG Guidelines, 2015. Collection method: clinical testing. Allele origin: maternal. Affected: yes.
Comment: In silico tools calibrated for increased accuracy with the mismatch repair genes predict that the p.Glu1274Val is deleterious; however, these predictions have not been tested directly (Thompson 2013). Using ACMG guidelines, this variant was classified as a variant of uncertain significance (ACMG evidence codes used: PM3, PM2_supporting, PP3).